The following is an entry in ClinVar:

ClinVar aggregate classification (germline): Uncertain significance (1 of 4 stars; one submission).

Conditions:
Symmetrical dyschromatosis of extremities (DSH). Also called: Dyschromatosis symmetrica hereditaria; DYSCHROMATOSIS SYMMETRICA HEREDITARIA 1; RETICULATE ACROPIGMENTATION OF DOHI; SYMMETRIC DYSCHROMATOSIS OF THE EXTREMITIES. Identifiers: Orphanet 41, MedGen C0406775, MONDO:0007483, OMIM 127400.
Aicardi-Goutieres syndrome 6 (AGS6). Identifiers: Orphanet 51, MedGen C3539013, MONDO:0014007, OMIM 615010.

Allele frequency attached by ClinVar (database versions not stated): ExAC 0.00002; TOPMed 0.00002; gnomAD 0.00003; gnomAD exomes 0.00004.
gnomAD v4.1: 40 of 1,614,092 alleles (0.0025%); highest among the groups gnomAD compares: Middle Eastern, 0.033%; no homozygotes.

Submission:

Labcorp Genetics (formerly Invitae), Labcorp
Classification: Uncertain significance for Aicardi-Goutieres syndrome 6; Symmetrical dyschromatosis of extremities. Last evaluated: 2025-01-27. Review status: criteria provided, single submitter. Criteria: Invitae Variant Classification Sherloc (09022015). Collection method: clinical testing. Allele origin: germline.
Comment: This sequence change replaces alanine, which is neutral and non-polar, with threonine, which is neutral and polar, at codon 198 of the ADAR protein (p.Ala198Thr). This variant is present in population databases (rs764385471, gnomAD 0.009%). This variant has not been reported in the literature in individuals affected with ADAR-related conditions. ClinVar contains an entry for this variant (Variation ID: 956544). An algorithm developed to predict the effect of missense changes on protein structure and function outputs the following: PolyPhen-2: "Benign". The threonine amino acid residue is found in multiple mammalian species, which suggests that this missense change does not adversely affect protein function. In summary, the available evidence is currently insufficient to determine the role of this variant in disease. Therefore, it has been classified as a Variant of Uncertain Significance.

NM_001111.5(ADAR):c.592G>A (p.Ala198Thr)

Gene: ADAR (adenosine deaminase RNA specific; minus strand). Cytogenetic location: 1q21.3.
Variant type: single nucleotide variant.
Coding change: c.592G>A on transcript NM_001111.5 (MANE Select); coding-DNA position 592, G replaced by A.
Protein change: p.Ala198Thr; replaces alanine 198 with threonine.
Molecular consequence: missense variant. On other transcripts: 5 prime UTR variant (6).
Genome position (GRCh38, 1-based): chr1:154,602,050, C>T on the plus strand (G>A on the coding strand, the complement: ADAR is on the minus strand). VCF-style: chr1-154602050-C-T. GRCh37 (hg19) VCF-style: chr1-154574526-C-T.
Other names: c.-294G>A (NM_001025107.3, NM_001193495.2, NM_001365046.1 and 3 more transcripts); c.619G>A, p.Ala207Thr (NM_001365045.1); c.592G>A, p.Ala198Thr (NM_015840.4, NM_015841.4); short protein forms A207T, A198T.
Identifiers: ClinVar variation 956544 (VCV000956544.7), dbSNP rs764385471, ClinGen allele CA1131677.